The following is an entry in ClinVar:

NM_024675.4(PALB2):c.3415A>C (p.Ile1139Leu)

Gene: PALB2 (partner and localizer of BRCA2; minus strand). Cytogenetic location: 16p12.2.
Variant type: single nucleotide variant.
Coding change: c.3415A>C on transcript NM_024675.4 (MANE Select); coding-DNA position 3415, A replaced by C.
Protein change: p.Ile1139Leu; replaces isoleucine 1139 with leucine.
Molecular consequence: missense variant.
Genome position (GRCh38, 1-based): chr16:23,603,605, T>G on the plus strand (A>C on the coding strand, the complement: PALB2 is on the minus strand). VCF-style: chr16-23603605-T-G. GRCh37 (hg19) VCF-style: chr16-23614926-T-G.
Other names: short protein forms I1139L.
Identifiers: ClinVar variation 530116 (VCV000530116.9), dbSNP rs1249960937, ClinGen allele CA395138221.

ClinVar aggregate classification (germline): Uncertain significance (1 of 4 stars; one submission).

Conditions:
Familial cancer of breast. Also called: BREAST CANCER, FAMILIAL; Hereditary breast cancer; hereditary breast carcinoma. Identifiers: Orphanet 227535, MedGen C0346153, MONDO:0016419, OMIM 114480. Disease mechanism: loss of function.

Submission:

Labcorp Genetics (formerly Invitae), Labcorp
Classification: Uncertain significance for Familial cancer of breast. Last evaluated: 2017-08-02. Review status: criteria provided, single submitter. Criteria: Invitae Variant Classification Sherloc (09022015). Collection method: clinical testing. Allele origin: germline.
Comment: In summary, the available evidence is currently insufficient to determine the role of this variant in disease. Therefore, it has been classified as a Variant of Uncertain Significance. Algorithms developed to predict the effect of missense changes on protein structure and function do not agree on the potential impact of this missense change (SIFT: "Tolerated"; PolyPhen-2: "Possibly Damaging"; Align-GVGD: "Class C0"). This variant has not been reported in the literature in individuals with PALB2-related disease. This variant is not present in population databases (ExAC no frequency). This sequence change replaces isoleucine with leucine at codon 1139 of the PALB2 protein (p.Ile1139Leu). The isoleucine residue is moderately conserved and there is a small physicochemical difference between isoleucine and leucine.